The following is an entry in ClinVar:

ClinVar aggregate classification (germline): Uncertain significance (1 of 4 stars; one submission).

Conditions:
Early-onset Lafora body disease. Also called: Epilepsy, progressive myoclonic, 10. Identifiers: Orphanet 324290, MedGen C4225258, MONDO:0014717, OMIM 616640.

Submission:

Labcorp Genetics (formerly Invitae), Labcorp
Classification: Uncertain significance for Early-onset Lafora body disease. Last evaluated: 2020-12-19. Review status: criteria provided, single submitter. Criteria: Invitae Variant Classification Sherloc (09022015). Collection method: clinical testing. Allele origin: germline.
Comment: In summary, the available evidence is currently insufficient to determine the role of this variant in disease. Therefore, it has been classified as a Variant of Uncertain Significance. Algorithms developed to predict the effect of missense changes on protein structure and function are either unavailable or do not agree on the potential impact of this missense change (SIFT: "Tolerated"; PolyPhen-2: "Possibly Damaging"; Align-GVGD: "Class C0"). This variant has not been reported in the literature in individuals with PRDM8-related conditions. The frequency data for this variant in the population databases is considered unreliable, as metrics indicate insufficient coverage at this position in the ExAC database. This sequence change replaces glutamic acid with aspartic acid at codon 450 of the PRDM8 protein (p.Glu450Asp). The glutamic acid residue is weakly conserved and there is a small physicochemical difference between glutamic acid and aspartic acid.

NM_001099403.2(PRDM8):c.1350G>T (p.Glu450Asp)

Gene: PRDM8 (PR/SET domain 8; plus strand). Cytogenetic location: 4q21.21.
Variant type: single nucleotide variant.
Coding change: c.1350G>T on transcript NM_001099403.2 (MANE Select); coding-DNA position 1350, G replaced by T.
Protein change: p.Glu450Asp; replaces glutamic acid 450 with aspartic acid.
Molecular consequence: missense variant.
Genome position (GRCh38, 1-based): chr4:80,202,812, G>T. VCF-style: chr4-80202812-G-T. GRCh37 (hg19) VCF-style: chr4-81123966-G-T.
Other names: c.1350G>T, p.Glu450Asp (NM_020226.4); short protein forms E450D.
Identifiers: ClinVar variation 1408803 (VCV001408803.8), dbSNP rs1578265647, ClinGen allele CA357400325.